The following is an entry in ClinVar:

ClinVar aggregate classification (germline): Uncertain significance. Review status: criteria provided, multiple submitters, no conflicts (2 of 4 stars). 2 submissions from 2 submitters: Uncertain significance (2). Last evaluated 2023-05-30.

Conditions:
Infantile myofibromatosis (IMF). Also called: Congenital generalized fibromatosis. Identifiers: Orphanet 2591, MedGen C0432284, MONDO:0016824.
Skeletal overgrowth-craniofacial dysmorphism-hyperelastic skin-white matter lesions syndrome. Also called: SKELETAL OVERGROWTH WITH FACIAL DYSMORPHISM, HYPERELASTIC SKIN, WHITE MATTER LESIONS, AND NEUROLOGIC DETERIORATION; Kosaki overgrowth syndrome. Identifiers: Orphanet 477831, MedGen C4225270, MONDO:0014704, OMIM 616592.
Basal ganglia calcification, idiopathic, 4 (PFBC4). Also called: Familial Idiopathic Basal Ganglia Calcification 4; PRIMARY FAMILIAL BRAIN CALCIFICATION 4, AUTOSOMAL DOMINANT. Identifiers: Orphanet 1980, MedGen C3554321, MONDO:0014004, OMIM 615007.
Acroosteolysis-keloid-like lesions-premature aging syndrome. Also called: Premature aging syndrome, Penttinen type; Prematurely aged appearance, delayed bone maturation, acro-osteolysis, and brachydactyly; Progeroid syndrome, Penttinen type. Identifiers: Orphanet 363665, MedGen C1866182, MONDO:0011150, OMIM 601812.

Allele frequency attached by ClinVar (database versions not stated): TOPMed 0.00001; gnomAD exomes 0.00001.
gnomAD v4.1: 15 of 1,613,476 alleles (0.00093%); highest among the groups gnomAD compares: Non-Finnish European, 0.0012%; no homozygotes.

Submissions (2):

Women's Health and Genetics/Laboratory Corporation of America, LabCorp
Classification: Uncertain significance. Last evaluated: 2023-05-30. Review status: criteria provided, single submitter. Criteria: LabCorp Variant Classification Summary - May 2015. Collection method: clinical testing. Allele origin: germline.
Comment: Variant summary: PDGFRB c.1762C>T (p.Pro588Ser) results in a non-conservative amino acid change in the encoded protein sequence. Five of five in-silico tools predict a damaging effect of the variant on protein function. The variant allele was found at a frequency of 8e-06 in 251294 control chromosomes. The available data on variant occurrences in the general population are insufficient to allow any conclusion about variant significance. To our knowledge, no occurrence of c.1762C>T in individuals affected with PDGFRB-Related Disorders and no experimental evidence demonstrating its impact on protein function have been reported. No clinical diagnostic laboratories have submitted clinical-significance assessments for this variant to ClinVar after 2014. Based on the evidence outlined above, the variant was classified as uncertain significance.

Labcorp Genetics (formerly Invitae), Labcorp
Classification: Uncertain significance for Basal ganglia calcification, idiopathic, 4; Skeletal overgrowth-craniofacial dysmorphism-hyperelastic skin-white matter lesions syndrome; Infantile myofibromatosis; Acroosteolysis-keloid-like lesions-premature aging syndrome. Last evaluated: 2022-12-20. Review status: criteria provided, single submitter. Criteria: Invitae Variant Classification Sherloc (09022015). Collection method: clinical testing. Allele origin: germline.
Comment: This sequence change replaces proline, which is neutral and non-polar, with serine, which is neutral and polar, at codon 588 of the PDGFRB protein (p.Pro588Ser). This variant is present in population databases (no rsID available, gnomAD 0.002%). This variant has not been reported in the literature in individuals affected with PDGFRB-related conditions. Advanced modeling of protein sequence and biophysical properties (such as structural, functional, and spatial information, amino acid conservation, physicochemical variation, residue mobility, and thermodynamic stability) has been performed at Invitae for this missense variant, however the output from this modeling did not meet the statistical confidence thresholds required to predict the impact of this variant on PDGFRB protein function. In summary, the available evidence is currently insufficient to determine the role of this variant in disease. Therefore, it has been classified as a Variant of Uncertain Significance.

NM_002609.4(PDGFRB):c.1762C>T (p.Pro588Ser)

Gene: PDGFRB (platelet derived growth factor receptor beta; minus strand). Cytogenetic location: 5q32.
Variant type: single nucleotide variant.
Coding change: c.1762C>T on transcript NM_002609.4 (MANE Select); coding-DNA position 1762, C replaced by T.
Protein change: p.Pro588Ser; replaces proline 588 with serine.
Molecular consequence: missense variant.
Genome position (GRCh38, 1-based): chr5:150,125,490, G>A on the plus strand (C>T on the coding strand, the complement: PDGFRB is on the minus strand). VCF-style: chr5-150125490-G-A. GRCh37 (hg19) VCF-style: chr5-149505053-G-A.
Other names: c.1570C>T, p.Pro524Ser (NM_001355016.2); c.1279C>T, p.Pro427Ser (NM_001355017.2); short protein forms P427S, P524S, P588S.
Identifiers: ClinVar variation 2506282 (VCV002506282.4), dbSNP rs1231735690, ClinGen allele CA361766018.